The following is an entry in ClinVar:

ClinVar aggregate classification (germline): Benign. Review status: criteria provided, multiple submitters, no conflicts (2 of 4 stars). 4 submissions from 4 submitters: Benign (3). 1 of the submissions does not count toward it. Last evaluated 2026-02-01.

Conditions:
CPAMD8-related disorder. Also called: CPAMD8-related condition.

Allele frequency attached by ClinVar (database versions not stated): gnomAD exomes 0.04351; 1000 Genomes Project 0.05072; ESP Exome Variant Server 0.05400; 1000 Genomes Project 30x 0.05434; TOPMed 0.05514; ExAC 0.05770.
gnomAD v4.1: 68,133 of 1,582,438 alleles (4.3%); highest among the groups gnomAD compares: African/African-American, 9%; 1,730 homozygotes.

Submissions (4):

Labcorp Genetics (formerly Invitae), Labcorp
Classification: Benign. Last evaluated: 2026-02-01. Review status: criteria provided, single submitter. Criteria: Invitae Variant Classification Sherloc (09022015). Collection method: clinical testing. Allele origin: germline.

GeneDx
Classification: Benign. Last evaluated: 2021-05-04. Review status: criteria provided, single submitter. Criteria: GeneDx Variant Classification Process June 2021. Collection method: clinical testing. Allele origin: germline. Affected: yes.

Breakthrough Genomics
Classification: Benign. Review status: criteria provided, single submitter. Criteria: ACMG Guidelines, 2015. Collection method: not provided. Allele origin: germline. Inheritance: Autosomal recessive inheritance. Affected: yes.

PreventionGenetics, part of Exact Sciences
Classification: Benign for CPAMD8-related condition. Last evaluated: 2019-10-28. Review status: no assertion criteria provided. Collection method: clinical testing. Allele origin: germline. Not counted in ClinVar's aggregate classification.
Comment: This variant is classified as benign based on ACMG/AMP sequence variant interpretation guidelines (Richards et al. 2015 PMID: 25741868, with internal and published modifications).

NM_015692.5(CPAMD8):c.918G>A (p.Ala306=)

Gene: CPAMD8 (C3 and PZP like alpha-2-macroglobulin domain containing 8; minus strand). Cytogenetic location: 19p13.11.
Variant type: single nucleotide variant.
Coding change: c.918G>A on transcript NM_015692.5 (MANE Select); coding-DNA position 918, G replaced by A.
Protein change: p.Ala306=; no amino-acid change (alanine 306 retained).
Molecular consequence: synonymous variant. On other transcripts: non-coding transcript variant (1).
Genome position (GRCh38, 1-based): chr19:16,997,288, C>T on the plus strand (G>A on the coding strand, the complement: CPAMD8 is on the minus strand). VCF-style: chr19-16997288-C-T. GRCh37 (hg19) VCF-style: chr19-17108098-C-T.
Identifiers: ClinVar variation 1236726 (VCV001236726.11), dbSNP rs112680414, ClinGen allele CA9285886.
Genomic context (GRCh38, chr19:16,997,288, plus strand): 5'-GTCCACACTGGTCACCATGGCCCAGATGCTGACCCTGCCCCGGAAGTGCTCAGGGACGTC[C>T]GCTGGGATCATGTCCCTCACGCAGATGTCGAAGTCCCGGGAGCCGAGGATCTGGAGGGAG-3'
Protein context (NP_056507.3, residues 296-316): FDICVRDMIP[Ala306=]DVPEHFRGRV